The following is an entry in ClinVar:

NM_007214.5(SEC63):c.*2705T>C

Gene: SEC63 (SEC63 homolog, protein translocation regulator; minus strand). Cytogenetic location: 6q21.
Variant type: single nucleotide variant.
Coding change: c.*2705T>C on transcript NM_007214.5 (MANE Select); 2705 bases downstream of the stop codon, T replaced by C.
Molecular consequence: 3 prime UTR variant.
Genome position (GRCh38, 1-based): chr6:107,868,999, A>G on the plus strand (T>C on the coding strand, the complement: SEC63 is on the minus strand). VCF-style: chr6-107868999-A-G. GRCh37 (hg19) VCF-style: chr6-108190203-A-G.
Identifiers: ClinVar variation 354841 (VCV000354841.5), dbSNP rs687374, ClinGen allele CA10621140.

ClinVar aggregate classification (germline): Benign (1 of 4 stars; one submission).

Conditions:
Polycystic liver disease 2 (PCLD2). Also called: Polycystic liver disease 2 with or without kidney cysts. Identifiers: Orphanet 2924, MedGen C4310769, MONDO:0014860, OMIM 617004.

Allele frequency attached by ClinVar (database versions not stated): 1000 Genomes Project 30x 0.06152; TOPMed 0.06237; 1000 Genomes Project 0.06050.

Submission:

Illumina Laboratory Services, Illumina
Classification: Benign for Polycystic liver disease 2. Last evaluated: 2018-01-13. Review status: criteria provided, single submitter. Criteria: ICSL Variant Classification Criteria 13 December 2019. Collection method: clinical testing. Allele origin: germline.
Comment: This variant was observed in the ICSL laboratory as part of a predisposition screen in an ostensibly healthy population. It had not been previously curated by ICSL or reported in the Human Gene Mutation Database (HGMD: prior to June 1st, 2018), and was therefore a candidate for classification through an automated scoring system. Utilizing variant allele frequency, disease prevalence and penetrance estimates, and inheritance mode, an automated score was calculated to assess if this variant is too frequent to cause the disease. Based on the score and internal cut-off values, a variant classified as benign is not then subjected to further curation. The score for this variant resulted in a classification of benign for this disease.